The following is an entry in ClinVar:

ClinVar aggregate classification (germline): Pathogenic/Likely pathogenic. Review status: criteria provided, multiple submitters, no conflicts (2 of 4 stars). 6 submissions from 6 submitters: Pathogenic (4); Likely pathogenic (2). Last evaluated 2025-07-07.

Conditions:
Hereditary breast ovarian cancer syndrome. Also called: Hereditary breast and ovarian cancer syndrome; Breast and ovarian cancer; BRCA1- and BRCA2-Associated Hereditary Breast and Ovarian Cancer; Hereditary breast and/or ovarian cancer syndrome; Hereditary breast and ovarian cancer; Hereditary breast and ovarian cancer syndrome (HBOC). Identifiers: Orphanet 145, MedGen C0677776, MeSH D061325, MONDO:0003582. Disease mechanism: loss of function.
Breast-ovarian cancer, familial, susceptibility to, 2 (BROVCA2). Also called: BRCA2 Hereditary Breast and Ovarian Cancer. Identifiers: Orphanet 145, MedGen C2675520, MONDO:0012933, OMIM 612555. Disease mechanism: loss of function.
Hereditary cancer-predisposing syndrome. Also called: Neoplastic Syndromes, Hereditary; Hereditary Cancer Syndrome; Hereditary neoplastic syndrome; Tumor predisposition. Identifiers: Orphanet 140162, MedGen C0027672, MeSH D009386, MONDO:0015356.

Submissions (6):

Labcorp Genetics (formerly Invitae), Labcorp
Classification: Pathogenic for Hereditary breast ovarian cancer syndrome. Last evaluated: 2025-07-07. Review status: criteria provided, single submitter. Criteria: Invitae Variant Classification Sherloc (09022015). Collection method: clinical testing. Allele origin: germline.
Comment: This sequence change affects a donor splice site in intron 22 of the BRCA2 gene. RNA analysis indicates that disruption of this splice site induces altered splicing and may result in an absent or altered protein product. This variant is not present in population databases (gnomAD no frequency). Disruption of this splice site has been observed in individual(s) with breast cancer (PMID: 15340362, 29446198). ClinVar contains an entry for this variant (Variation ID: 52709). Studies have shown that disruption of this splice site results in skipping of exon 22 and activation of a cryptic splice site, and produces a non-functional protein and/or introduces a premature termination codon (PMID: 21394826; internal data). For these reasons, this variant has been classified as Pathogenic.

Color Diagnostics, LLC DBA Color Health
Classification: Likely pathogenic for Hereditary cancer-predisposing syndrome. Last evaluated: 2021-10-12. Review status: criteria provided, single submitter. Criteria: ACMG Guidelines, 2015. Collection method: clinical testing. Allele origin: germline.
Comment: This variant causes a G to A nucleotide substitution at the +1 position of intron 22 of the BRCA2 gene. This variant is also known by the alternate nomenclature IVS22+1G>A. Splice site prediction tools predict that this variant may have a significant impact on RNA splicing. A different mutation at this position, c.8953+1G>T, has been shown by RNA studies to cause out-of-frame splicing, resulting in premature termination (PMID: 21394826, 25382762). This variant is expected to result in an absent or non-functional protein product. This variant has been reported in one individual affected with breast cancer (PMID: 26187060) and a suspected hereditary breast and ovarian cancer family (PMID: 15340362). A similar mutation c.8953+1G>T has been reported in at least three individuals affected with breast or ovarian cancer (PMID: 29164420, 32022259; Color internal data). This variant has not been identified in the general population by the Genome Aggregation Database (gnomAD). Loss of BRCA2 function is a known mechanism of disease. Based on the available evidence, this variant is classified as Likely Pathogenic.

Ambry Genetics
Classification: Likely pathogenic for Hereditary cancer-predisposing syndrome. Last evaluated: 2019-08-08. Review status: criteria provided, single submitter. Criteria: Ambry Variant Classification Scheme 2023. Collection method: clinical testing. Allele origin: germline.
Comment: The c.8953+1G>A intronic variant results from a G to A substitution one nucleotide after coding exon 21 of the BRCA2 gene. This alteration was identified multiple cohorts of BRCA1/2 mutation positive families (Marroni F et al. Eur. J. Hum. Genet., 2004 Nov;12:899-906; Rebbeck TR et al. Hum. Mutat., 2018 05;39:593-620). This alteration is also reported as IVS22+1G>A in the published literature. Alterations that disrupt the canonical splice site are expected to cause aberrant splicing, resulting in an abnormal protein or a transcript that is subject to nonsense-mediated mRNA decay. As such, this alteration is classified as likely pathogenic.

GeneDx
Classification: Pathogenic. Last evaluated: 2016-06-06. Review status: criteria provided, single submitter. Criteria: GeneDx Variant Classification (06012015). Collection method: clinical testing. Allele origin: germline. Affected: yes.
Comment: This variant is denoted BRCA2 c.8953+1G>A or IVS22+1G>A and consists of a G>A nucleotide substitution at the +1 position of intron 22 of the BRCA2 gene. Using alternate nomenclature, this variant would be defined as BRCA2 9181+1G>A. This variant destroys a canonical splice donor site and is predicted to cause abnormal gene splicing, leading to either an abnormal message that is subject to nonsense-mediated mRNA decay or to an abnormal protein product. This variant has been reported at least once, in an individual with a personal and/or family history of breast and/or ovarian cancer (Marroni 2004). We consider this variant to be pathogenic.

Consortium of Investigators of Modifiers of BRCA1/2 (CIMBA), c/o University of Cambridge
Classification: Pathogenic for Breast-ovarian cancer, familial, susceptibility to, 2. Last evaluated: 2015-10-02. Review status: criteria provided, single submitter. Criteria: CIMBA Mutation Classification guidelines May 2016. Collection method: clinical testing. Allele origin: germline.

Genesis Genomics
Classification: Pathogenic for Breast-ovarian cancer, familial, susceptibility to, 2. Review status: criteria provided, single submitter. Criteria: ACMG Guidelines, 2015. Collection method: clinical testing. Allele origin: germline. Affected: yes. Observed: 1 variant allele.

Literature cited by the submitters: PubMed 15340362 (cited by 3 submitters); PubMed 29446198 (cited by Labcorp Genetics (formerly Invitae), Labcorp and Ambry Genetics); PubMed 21394826 (cited by Labcorp Genetics (formerly Invitae), Labcorp and Color Diagnostics, LLC DBA Color Health); PubMed 25382762 (cited by Color Diagnostics, LLC DBA Color Health); PubMed 26187060 (cited by Color Diagnostics, LLC DBA Color Health); PubMed 29164420 (cited by Color Diagnostics, LLC DBA Color Health); PubMed 32022259 (cited by Color Diagnostics, LLC DBA Color Health).

NM_000059.4(BRCA2):c.8953+1G>A

Gene: BRCA2 (BRCA2 DNA repair associated; plus strand). Cytogenetic location: 13q13.1.
Variant type: single nucleotide variant.
Coding change: c.8953+1G>A on transcript NM_000059.4 (MANE Select); the canonical splice donor site of the intron after coding-DNA position 8953, G replaced by A.
Molecular consequence: splice donor variant.
Genome position (GRCh38, 1-based): chr13:32,379,516, G>A. VCF-style: chr13-32379516-G-A. GRCh37 (hg19) VCF-style: chr13-32953653-G-A.
Other names: c.8953+1G>A (NM_001406720.1); c.8857+1G>A (NM_001406719.1); c.4021+1G>A (NM_001406721.1); c.2536+1G>A (NM_001406722.1).
Identifiers: ClinVar variation 52709 (VCV000052709.17), dbSNP rs81002882, ClinGen allele CA025889.